The following is an entry in ClinVar:

NM_024596.5(MCPH1):c.484T>C (p.Tyr162His)

Gene: MCPH1 (microcephalin 1; plus strand). Cytogenetic location: 8p23.1.
Variant type: single nucleotide variant.
Coding change: c.484T>C on transcript NM_024596.5 (MANE Select); coding-DNA position 484, T replaced by C.
Protein change: p.Tyr162His; replaces tyrosine 162 with histidine.
Molecular consequence: missense variant. On other transcripts: non-coding transcript variant (1), intron variant (1).
Genome position (GRCh38, 1-based): chr8:6,439,000, T>C. VCF-style: chr8-6439000-T-C. GRCh37 (hg19) VCF-style: chr8-6296521-T-C.
Other names: c.484T>C, p.Tyr162His (NM_001172574.2, NM_001322042.2, NM_001363979.1 and 1 more transcripts); c.478T>C, p.Tyr160His (NM_001322043.2); c.382T>C, p.Tyr128His (NM_001322045.2); c.436+2838T>C (NM_001172575.2); c.484T>C (NM_024596.3); short protein forms Y162H, Y128H, Y160H.
Identifiers: ClinVar variation 1512933 (VCV001512933.4), dbSNP rs761012601, ClinGen allele CA4610258.

ClinVar aggregate classification (germline): Uncertain significance. Review status: criteria provided, multiple submitters, no conflicts (2 of 4 stars). 2 submissions from 2 submitters: Uncertain significance (2). Last evaluated 2023-12-15.

Conditions:
Inborn genetic diseases. Identifiers: MedGen C0950123, MeSH D030342.

Allele frequency attached by ClinVar (database versions not stated): gnomAD exomes below 0.00001 and 0.00001; ExAC 0.00001; TOPMed 0.00001.
gnomAD v4.1: 9 of 1,610,126 alleles (0.00056%); highest among the groups gnomAD compares: African/African-American, 0.0013%; no homozygotes.

Submissions (2):

Ambry Genetics
Classification: Uncertain significance for Inborn genetic diseases. Last evaluated: 2023-12-15. Review status: criteria provided, single submitter. Criteria: Ambry Variant Classification Scheme 2023. Collection method: clinical testing. Allele origin: germline.

Labcorp Genetics (formerly Invitae), Labcorp
Classification: Uncertain significance. Last evaluated: 2022-06-05. Review status: criteria provided, single submitter. Criteria: Invitae Variant Classification Sherloc (09022015). Collection method: clinical testing. Allele origin: germline.
Comment: This sequence change replaces tyrosine, which is neutral and polar, with histidine, which is basic and polar, at codon 162 of the MCPH1 protein (p.Tyr162His). This variant is present in population databases (rs761012601, gnomAD 0.0009%). This variant has not been reported in the literature in individuals affected with MCPH1-related conditions. ClinVar contains an entry for this variant (Variation ID: 1512933). Algorithms developed to predict the effect of missense changes on protein structure and function are either unavailable or do not agree on the potential impact of this missense change (SIFT: "Not Available"; PolyPhen-2: "Probably Damaging"; Align-GVGD: "Not Available"). In summary, the available evidence is currently insufficient to determine the role of this variant in disease. Therefore, it has been classified as a Variant of Uncertain Significance.